The following is an entry in ClinVar:

ClinVar aggregate classification (germline): Benign. Review status: criteria provided, multiple submitters, no conflicts (2 of 4 stars). 2 submissions from 2 submitters: Benign (2). Last evaluated 2018-06-16.

Allele frequency attached by ClinVar (database versions not stated): 1000 Genomes Project 30x 0.48048; 1000 Genomes Project 0.48143; TOPMed 0.53679; gnomAD 0.55668 and 0.55760; gnomAD exomes 0.64433.

Submissions (2):

GeneDx
Classification: Benign. Last evaluated: 2018-06-16. Review status: criteria provided, single submitter. Criteria: GeneDx Variant Classification (06012015). Collection method: clinical testing. Allele origin: germline. Affected: yes.
Comment: This variant is considered likely benign or benign based on one or more of the following criteria: it is a conservative change, it occurs at a poorly conserved position in the protein, it is predicted to be benign by multiple in silico algorithms, and/or has population frequency not consistent with disease.

Breakthrough Genomics
Classification: Benign. Review status: criteria provided, single submitter. Criteria: ACMG Guidelines, 2015. Collection method: not provided. Allele origin: germline. Inheritance: Autosomal recessive inheritance. Affected: yes.

NM_032578.4(MYPN):c.3076-67T>A

Gene: MYPN (myopalladin; plus strand). Cytogenetic location: 10q21.3.
Variant type: single nucleotide variant.
Coding change: c.3076-67T>A on transcript NM_032578.4 (MANE Select); 67 bases into the intron before coding-DNA position 3076, T replaced by A.
Molecular consequence: intron variant.
Genome position (GRCh38, 1-based): chr10:68,195,383, T>A. VCF-style: chr10-68195383-T-A. GRCh37 (hg19) VCF-style: chr10-69955140-T-A.
Other names: c.3076-67T>A (NM_001256267.2); c.2194-67T>A (NM_001256268.2).
Identifiers: ClinVar variation 671147 (VCV000671147.2), dbSNP rs7069569, ClinGen allele CA13193336.